The following is an entry in ClinVar:

NM_015909.4(NBAS):c.2340-2A>G

Gene: NBAS (NBAS subunit of NRZ tethering complex; minus strand). Cytogenetic location: 2p24.3.
Variant type: single nucleotide variant.
Coding change: c.2340-2A>G on transcript NM_015909.4 (MANE Select); the canonical splice acceptor site of the intron before coding-DNA position 2340, A replaced by G.
Molecular consequence: splice acceptor variant.
Genome position (GRCh38, 1-based): chr2:15,427,796, T>C on the plus strand (A>G on the coding strand, the complement: NBAS is on the minus strand). VCF-style: chr2-15427796-T-C. GRCh37 (hg19) VCF-style: chr2-15567920-T-C.
Identifiers: ClinVar variation 2902789 (VCV002902789.3), dbSNP rs1677552802, ClinGen allele CA345891911.

ClinVar aggregate classification (germline): Likely pathogenic (1 of 4 stars; one submission).

Allele frequency attached by ClinVar (database versions not stated): gnomAD 0.00001; gnomAD exomes 0.00001.
gnomAD v4.1: 9 of 1,607,270 alleles (0.00056%); highest among the groups gnomAD compares: Non-Finnish European, 0.00077%; no homozygotes.

Submission:

Labcorp Genetics (formerly Invitae), Labcorp
Classification: Likely pathogenic. Last evaluated: 2023-08-25. Review status: criteria provided, single submitter. Criteria: Invitae Variant Classification Sherloc (09022015). Collection method: clinical testing. Allele origin: germline.
Comment: This sequence change affects an acceptor splice site in intron 21 of the NBAS gene. It is expected to disrupt RNA splicing. Variants that disrupt the donor or acceptor splice site typically lead to a loss of protein function (PMID: 16199547), and loss-of-function variants in NBAS are known to be pathogenic (PMID: 26073778, 26541327, 27789416, 28031453). This variant is not present in population databases (gnomAD no frequency). This variant has not been reported in the literature in individuals affected with NBAS-related conditions. Algorithms developed to predict the effect of sequence changes on RNA splicing suggest that this variant may disrupt the consensus splice site. In summary, the currently available evidence indicates that the variant is pathogenic, but additional data are needed to prove that conclusively. Therefore, this variant has been classified as Likely Pathogenic.

Literature cited by the submitters: PubMed 16199547; PubMed 26073778; PubMed 26541327; PubMed 27789416; PubMed 28031453.